The following is an entry in ClinVar:

ClinVar aggregate classification (germline): Uncertain significance (1 of 4 stars; one submission).

Conditions:
Fibrous dysplasia of jaw (CRBM). Also called: Cherubism. Identifiers: Orphanet 184, MedGen C0008029, MONDO:0007315, OMIM 118400.

Submission:

Labcorp Genetics (formerly Invitae), Labcorp
Classification: Uncertain significance for Fibrous dysplasia of jaw. Last evaluated: 2025-04-10. Review status: criteria provided, single submitter. Criteria: Invitae Variant Classification Sherloc (09022015). Collection method: clinical testing. Allele origin: germline.
Comment: This sequence change replaces serine, which is neutral and polar, with asparagine, which is neutral and polar, at codon 278 of the SH3BP2 protein (p.Ser278Asn). This variant is not present in population databases (gnomAD no frequency). This variant has not been reported in the literature in individuals affected with SH3BP2-related conditions. Invitae Evidence Modeling of protein sequence and biophysical properties (such as structural, functional, and spatial information, amino acid conservation, physicochemical variation, residue mobility, and thermodynamic stability) indicates that this missense variant is not expected to disrupt SH3BP2 protein function with a negative predictive value of 95%. In summary, the available evidence is currently insufficient to determine the role of this variant in disease. Therefore, it has been classified as a Variant of Uncertain Significance.

NM_001122681.2(SH3BP2):c.833G>A (p.Ser278Asn)

Gene: SH3BP2 (SH3 domain binding protein 2; plus strand). Cytogenetic location: 4p16.3.
Variant type: single nucleotide variant.
Coding change: c.833G>A on transcript NM_001122681.2 (MANE Select); coding-DNA position 833, G replaced by A.
Protein change: p.Ser278Asn; replaces serine 278 with asparagine.
Molecular consequence: missense variant.
Genome position (GRCh38, 1-based): chr4:2,829,739, G>A. VCF-style: chr4-2829739-G-A. GRCh37 (hg19) VCF-style: chr4-2831466-G-A.
Other names: c.917G>A, p.Ser306Asn (NM_001145855.2); c.1004G>A, p.Ser335Asn (NM_001145856.2); c.833G>A, p.Ser278Asn (NM_003023.4); short protein forms S278N, S335N, S306N.
Identifiers: ClinVar variation 4765830 (VCV004765830.1).